The following is an entry in ClinVar:

NM_000088.4(COL1A1):c.2235+4A>C

Gene: COL1A1 (collagen type I alpha 1 chain; minus strand). Cytogenetic location: 17q21.33.
Variant type: single nucleotide variant.
Coding change: c.2235+4A>C on transcript NM_000088.4 (MANE Select); 4 bases into the intron after coding-DNA position 2235, A replaced by C.
Molecular consequence: intron variant.
Genome position (GRCh38, 1-based): chr17:50,191,379, T>G on the plus strand (A>C on the coding strand, the complement: COL1A1 is on the minus strand). VCF-style: chr17-50191379-T-G. GRCh37 (hg19) VCF-style: chr17-48268740-T-G.
Identifiers: ClinVar variation 1063511 (VCV001063511.12), dbSNP rs1382593990, ClinGen allele CA626485841.

ClinVar aggregate classification (germline): Conflicting classifications of pathogenicity. Review status: criteria provided, conflicting classifications (1 of 4 stars). 4 submissions from 4 submitters: Uncertain significance (3); Likely benign (1). Last evaluated 2025-10-16.

Conditions:
Osteogenesis imperfecta type I (OI1). Also called: Lobstein's Disease; Osteogenesis imperfecta type 1; OI, TYPE I; OSTEOGENESIS IMPERFECTA TARDA; OSTEOGENESIS IMPERFECTA WITH BLUE SCLERAE; Lobstein disease. Identifiers: Orphanet 216796, Orphanet 666, MedGen C0023931, MONDO:0008146, OMIM 166200. Disease mechanism: loss of function.
Osteogenesis imperfecta (OI). Identifiers: Orphanet 666, MedGen C0029434, MeSH D010013, MONDO:0019019.

Allele frequency attached by ClinVar (database versions not stated): gnomAD exomes below 0.00001; TOPMed below 0.00001; gnomAD 0.00001.
gnomAD v4.1: 5 of 1,613,014 alleles (0.00031%); highest among the groups gnomAD compares: Middle Eastern, 0.033%; no homozygotes.

Submissions (4):

Labcorp Genetics (formerly Invitae), Labcorp
Classification: Uncertain significance for Osteogenesis imperfecta type I. Last evaluated: 2025-10-16. Review status: criteria provided, single submitter. Criteria: Invitae Variant Classification Sherloc (09022015). Collection method: clinical testing. Allele origin: germline.
Comment: This sequence change falls in intron 32 of the COL1A1 gene. It does not directly change the encoded amino acid sequence of the COL1A1 protein. It affects a nucleotide within the consensus splice site. This variant is present in population databases (no rsID available, gnomAD 0.0009%). This variant has not been reported in the literature in individuals affected with COL1A1-related conditions. ClinVar contains an entry for this variant (Variation ID: 1063511). Variants that disrupt the consensus splice site are a relatively common cause of aberrant splicing (PMID: 17576681, 9536098). Algorithms developed to predict the effect of sequence changes on RNA splicing suggest that this variant is not likely to affect RNA splicing. In summary, the available evidence is currently insufficient to determine the role of this variant in disease. Therefore, it has been classified as a Variant of Uncertain Significance.

Blueprint Genetics
Classification: Likely benign. Last evaluated: 2024-05-10. Review status: criteria provided, single submitter. Criteria: ACMG Guidelines, 2015. Collection method: clinical testing. Allele origin: germline.

GeneDx
Classification: Uncertain significance. Last evaluated: 2023-03-20. Review status: criteria provided, single submitter. Criteria: GeneDx Variant Classification Process June 2021. Collection method: clinical testing. Allele origin: germline. Affected: yes.
Comment: Not observed at significant frequency in large population cohorts (gnomAD); In silico analysis supports that this variant does not alter splicing; Has not been previously published as pathogenic or benign to our knowledge

Genome Diagnostics Laboratory, The Hospital for Sick Children
Classification: Uncertain significance for Osteogenesis imperfecta. Last evaluated: 2021-09-07. Review status: criteria provided, single submitter. Criteria: ACMG Guidelines, 2015. Collection method: clinical testing. Allele origin: germline.

Literature cited by the submitters: PubMed 17576681 (cited by Labcorp Genetics (formerly Invitae), Labcorp); PubMed 9536098 (cited by Labcorp Genetics (formerly Invitae), Labcorp).